The following is an entry in ClinVar:

NM_000038.6(APC):c.7762G>A (p.Asp2588Asn)

Gene: APC (APC regulator of Wnt signaling pathway; plus strand). Cytogenetic location: 5q22.2.
Variant type: single nucleotide variant.
Coding change: c.7762G>A on transcript NM_000038.6 (MANE Select); coding-DNA position 7762, G replaced by A.
Protein change: p.Asp2588Asn; replaces aspartic acid 2588 with asparagine.
Molecular consequence: missense variant. On other transcripts: non-coding transcript variant (2).
Genome position (GRCh38, 1-based): chr5:112,843,356, G>A. VCF-style: chr5-112843356-G-A. GRCh37 (hg19) VCF-style: chr5-112179053-G-A.
Other names: c.7762G>A, p.Asp2588Asn (NM_001127510.3, NM_001354895.2, NM_001407450.1); c.7708G>A, p.Asp2570Asn (NM_001127511.3); c.7816G>A, p.Asp2606Asn (NM_001354896.2, NM_001407447.1, NM_001407448.1 and 1 more transcripts); c.7792G>A, p.Asp2598Asn (NM_001354897.2); c.7687G>A, p.Asp2563Asn (NM_001354898.2); c.7678G>A, p.Asp2560Asn (NM_001354899.2); c.7639G>A, p.Asp2547Asn (NM_001354900.2); c.7585G>A, p.Asp2529Asn (NM_001354901.2, NM_001407453.1); and 11 more; short protein forms D2305N, D2459N, D2529N, D2547N, D2581N, D2588N, D2606N, D2616N.
Identifiers: ClinVar variation 3410557 (VCV003410557.1).

ClinVar aggregate classification (germline): Uncertain significance (1 of 4 stars; one submission).

Conditions:
Hereditary cancer-predisposing syndrome. Also called: Neoplastic Syndromes, Hereditary; Tumor predisposition; Hereditary Cancer Syndrome; Hereditary neoplastic syndrome. Identifiers: Orphanet 140162, MedGen C0027672, MeSH D009386, MONDO:0015356.

Submission:

Ambry Genetics
Classification: Uncertain significance for Hereditary cancer-predisposing syndrome. Last evaluated: 2024-08-23. Review status: criteria provided, single submitter. Criteria: Ambry Variant Classification Scheme 2023. Collection method: clinical testing. Allele origin: germline.
Comment: The p.D2588N variant (also known as c.7762G>A), located in coding exon 15 of the APC gene, results from a G to A substitution at nucleotide position 7762. The aspartic acid at codon 2588 is replaced by asparagine, an amino acid with highly similar properties. This amino acid position is conserved. In addition, in silico predictors for this gene do not accurately predict pathogenicity. Based on the available evidence, the clinical significance of this variant remains unclear.